The following is an entry in ClinVar:

NM_004360.5(CDH1):c.375C>A (p.Pro125=)

Gene: CDH1 (cadherin 1; plus strand). Cytogenetic location: 16q22.1.
Variant type: single nucleotide variant.
Coding change: c.375C>A on transcript NM_004360.5 (MANE Select); coding-DNA position 375, C replaced by A.
Protein change: p.Pro125=; no amino-acid change (proline 125 retained).
Molecular consequence: synonymous variant. On other transcripts: 5 prime UTR variant (2).
Genome position (GRCh38, 1-based): chr16:68,801,881, C>A. VCF-style: chr16-68801881-C-A. GRCh37 (hg19) VCF-style: chr16-68835784-C-A.
Other names: c.375C>A (LRG_301t1); c.375C>A, p.Pro125= (NM_001317184.2); c.-1241C>A (NM_001317185.2); c.-1445C>A (NM_001317186.2).
Identifiers: ClinVar variation 381236 (VCV000381236.27), dbSNP rs773044699, ClinGen allele CA8129837.
Genomic context (GRCh38, chr16:68,801,881, plus strand): 5'-CACCTACAGAAAGTTTTCCACCAAAGTCACGCTGAATACAGTGGGGCACCACCACCGCCC[C>A]CCGCCCCATCAGGTATGTTGGCATTTTTCTGAGAAGTTCGCTGTTGTTTTAGTGCGCTGT-3'
Protein context (NP_004351.1, residues 115-135): TLNTVGHHHR[Pro125=]PPHQASVSGI

ClinVar aggregate classification (germline): Benign/Likely benign. Review status: criteria provided, multiple submitters, no conflicts (2 of 4 stars). 10 submissions from 10 submitters: Benign (2); Likely benign (8). Last evaluated 2026-01-08.

Conditions:
CDH1-related diffuse gastric and lobular breast cancer syndrome. Also called: CDH1-related diffuse gastric and lobular breast cancer. Identifiers: MedGen CN311521, MONDO:0100488.
Hereditary cancer-predisposing syndrome. Also called: Hereditary neoplastic syndrome; Tumor predisposition; Neoplastic Syndromes, Hereditary; Hereditary Cancer Syndrome. Identifiers: Orphanet 140162, MedGen C0027672, MeSH D009386, MONDO:0015356.
Hereditary diffuse gastric adenocarcinoma (HDGC). Also called: DIFFUSE GASTRIC AND LOBULAR BREAST CANCER SYNDROME. Identifiers: Orphanet 26106, MedGen C1708349, MONDO:0007648, OMIM 137215.

Allele frequency attached by ClinVar (database versions not stated): ExAC 0.00001; gnomAD 0.00003 and 0.00004; TOPMed 0.00006.
gnomAD v4.1: 9 of 1,613,440 alleles (0.00056%); highest among the groups gnomAD compares: African/African-American, 0.011%; no homozygotes.

Submissions (10):

Labcorp Genetics (formerly Invitae), Labcorp
Classification: Likely benign for Hereditary diffuse gastric adenocarcinoma. Last evaluated: 2026-01-08. Review status: criteria provided, single submitter. Criteria: Invitae Variant Classification Sherloc (09022015). Collection method: clinical testing. Allele origin: germline.

Myriad Genetics, Inc.
Classification: Benign for Hereditary diffuse gastric adenocarcinoma. Last evaluated: 2024-09-12. Review status: criteria provided, single submitter. Criteria: Myriad Autosomal Dominant, Autosomal Recessive and X-Linked Classification Criteria (2023). Collection method: clinical testing. Allele origin: unknown.
Comment: This variant is considered benign. This variant is a silent/synonymous amino acid change and it is not expected to impact splicing.

Department of Pathology and Laboratory Medicine, Sinai Health System
Classification: Likely benign for CDH1-related diffuse gastric and lobular breast cancer syndrome. Last evaluated: 2024-03-20. Review status: criteria provided, single submitter. Criteria: ACMG Guidelines, 2015. Collection method: clinical testing. Allele origin: germline. Affected: no.

Quest Diagnostics Nichols Institute San Juan Capistrano
Classification: Likely benign. Last evaluated: 2023-09-12. Review status: criteria provided, single submitter. Criteria: Quest Diagnostics criteria. Collection method: clinical testing. Allele origin: unknown.

Sema4
Classification: Benign for Hereditary cancer-predisposing syndrome. Last evaluated: 2021-04-08. Review status: criteria provided, single submitter. Criteria: Sema4 Curation Guidelines. Collection method: curation. Allele origin: germline.

Women's Health and Genetics/Laboratory Corporation of America, LabCorp
Classification: Likely benign. Last evaluated: 2020-03-26. Review status: criteria provided, single submitter. Criteria: LabCorp Variant Classification Summary - May 2015. Collection method: clinical testing. Allele origin: germline.

Mendelics
Classification: Likely benign for Hereditary diffuse gastric adenocarcinoma. Last evaluated: 2019-05-28. Review status: criteria provided, single submitter. Criteria: Mendelics Assertion Criteria 2017. Collection method: clinical testing. Allele origin: unknown.

GeneDx
Classification: Likely benign. Last evaluated: 2018-05-08. Review status: criteria provided, single submitter. Criteria: GeneDx Variant Classification Process June 2021. Collection method: clinical testing. Allele origin: germline. Affected: yes.
Comment: This variant is associated with the following publications: (PMID: 26123647)

Color Diagnostics, LLC DBA Color Health
Classification: Likely benign for Hereditary cancer-predisposing syndrome. Last evaluated: 2017-06-14. Review status: criteria provided, single submitter. Criteria: ACMG Guidelines, 2015. Collection method: clinical testing. Allele origin: germline.

Ambry Genetics
Classification: Likely benign for Hereditary cancer-predisposing syndrome. Last evaluated: 2015-09-18. Review status: criteria provided, single submitter. Criteria: Ambry Variant Classification Scheme 2023. Collection method: clinical testing. Allele origin: germline.